The following is an entry in ClinVar:

NM_001211.6(BUB1B):c.331G>A (p.Gly111Arg)

Gene: BUB1B (BUB1 mitotic checkpoint serine/threonine kinase B; plus strand). Cytogenetic location: 15q15.1.
Variant type: single nucleotide variant.
Coding change: c.331G>A on transcript NM_001211.6 (MANE Select); coding-DNA position 331, G replaced by A.
Protein change: p.Gly111Arg; replaces glycine 111 with arginine.
Molecular consequence: missense variant.
Genome position (GRCh38, 1-based): chr15:40,170,628, G>A. VCF-style: chr15-40170628-G-A. GRCh37 (hg19) VCF-style: chr15-40462829-G-A.
Other names: short protein forms G111R.
Identifiers: ClinVar variation 3221425 (VCV003221425.1), dbSNP rs780299420, ClinGen allele CA7475452.

ClinVar aggregate classification (germline): Uncertain significance (1 of 4 stars; one submission).

Conditions:
Inborn genetic diseases. Identifiers: MedGen C0950123, MeSH D030342.

Allele frequency attached by ClinVar (database versions not stated): ExAC 0.00001.

Submission:

Ambry Genetics
Classification: Uncertain significance for Inborn genetic diseases. Last evaluated: 2023-11-29. Review status: criteria provided, single submitter. Criteria: Ambry Variant Classification Scheme 2023. Collection method: clinical testing. Allele origin: germline.
Comment: The p.G111R variant (also known as c.331G>A), located in coding exon 4 of the BUB1B gene, results from a G to A substitution at nucleotide position 331. The glycine at codon 111 is replaced by arginine, an amino acid with dissimilar properties. This amino acid position is conserved. In addition, this alteration is predicted to be tolerated by in silico analysis. Since supporting evidence is limited at this time, the clinical significance of this alteration remains unclear.